The following is an entry in ClinVar:

ClinVar aggregate classification (germline): Uncertain significance. Review status: criteria provided, multiple submitters, no conflicts (2 of 4 stars). 2 submissions from 2 submitters: Uncertain significance (2). Last evaluated 2023-03-13.

Conditions:
Inborn genetic diseases. Identifiers: MedGen C0950123, MeSH D030342.
Aicardi-Goutieres syndrome 5. Identifiers: Orphanet 51, MedGen C2749659, MONDO:0013059, OMIM 612952.

Allele frequency attached by ClinVar (database versions not stated): gnomAD 0.00001; TOPMed 0.00002; ExAC 0.00007.

Submissions (2):

Ambry Genetics
Classification: Uncertain significance for Inborn genetic diseases. Last evaluated: 2023-03-13. Review status: criteria provided, single submitter. Criteria: Ambry Variant Classification Scheme 2023. Collection method: clinical testing. Allele origin: germline.

Labcorp Genetics (formerly Invitae), Labcorp
Classification: Uncertain significance for Aicardi-Goutieres syndrome 5. Last evaluated: 2022-05-29. Review status: criteria provided, single submitter. Criteria: Invitae Variant Classification Sherloc (09022015). Collection method: clinical testing. Allele origin: germline.
Comment: This sequence change replaces glycine, which is neutral and non-polar, with valine, which is neutral and non-polar, at codon 35 of the SAMHD1 protein (p.Gly35Val). This variant is present in population databases (rs751026561, gnomAD 0.01%). This variant has not been reported in the literature in individuals affected with SAMHD1-related conditions. Algorithms developed to predict the effect of missense changes on protein structure and function output the following: SIFT: "Deleterious"; PolyPhen-2: "Benign"; Align-GVGD: "Class C0". The valine amino acid residue is found in multiple mammalian species, which suggests that this missense change does not adversely affect protein function. In summary, the available evidence is currently insufficient to determine the role of this variant in disease. Therefore, it has been classified as a Variant of Uncertain Significance.

NM_015474.4(SAMHD1):c.104G>T (p.Gly35Val)

Gene: SAMHD1 (SAM and HD domain containing deoxynucleoside triphosphate triphosphohydrolase 1; minus strand). Cytogenetic location: 20q11.23.
Variant type: single nucleotide variant.
Coding change: c.104G>T on transcript NM_015474.4 (MANE Select); coding-DNA position 104, G replaced by T.
Protein change: p.Gly35Val; replaces glycine 35 with valine.
Molecular consequence: missense variant.
Genome position (GRCh38, 1-based): chr20:36,951,540, C>A on the plus strand (G>T on the coding strand, the complement: SAMHD1 is on the minus strand). VCF-style: chr20-36951540-C-A. GRCh37 (hg19) VCF-style: chr20-35579943-C-A.
Other names: c.104G>T, p.Gly35Val (NM_001363729.2, NM_001363733.2); short protein forms G35V.
Identifiers: ClinVar variation 2045864 (VCV002045864.3), dbSNP rs751026561, ClinGen allele CA9844833.